The following is an entry in ClinVar:

NM_000426.4(LAMA2):c.5284C>G (p.Arg1762Gly)

Gene: LAMA2 (laminin subunit alpha 2; plus strand). Cytogenetic location: 6q22.33.
Variant type: single nucleotide variant.
Coding change: c.5284C>G on transcript NM_000426.4 (MANE Select); coding-DNA position 5284, C replaced by G.
Protein change: p.Arg1762Gly; replaces arginine 1762 with glycine.
Molecular consequence: missense variant.
Genome position (GRCh38, 1-based): chr6:129,393,094, C>G. VCF-style: chr6-129393094-C-G. GRCh37 (hg19) VCF-style: chr6-129714239-C-G.
Other names: c.5284C>G, p.Arg1762Gly (NM_001079823.2); short protein forms R1762G.
Identifiers: ClinVar variation 447688 (VCV000447688.5), dbSNP rs746492572, ClinGen allele CA3993834.

ClinVar aggregate classification (germline): Uncertain significance. Review status: criteria provided, multiple submitters, no conflicts (2 of 4 stars). 3 submissions from 3 submitters: Uncertain significance (3). Last evaluated 2024-06-26.

Conditions:
Inborn genetic diseases. Identifiers: MedGen C0950123, MeSH D030342.
LAMA2-related muscular dystrophy (LAMA2-RD). Also called: Laminin alpha 2-related dystrophy. Identifiers: MedGen C5679788, MONDO:0100228.

Allele frequency attached by ClinVar (database versions not stated): TOPMed 0.00001.
gnomAD v4.1: 14 of 1,613,570 alleles (0.00087%); highest among the groups gnomAD compares: Non-Finnish European, 0.0011%; no homozygotes.

Submissions (3):

Ambry Genetics
Classification: Uncertain significance for Inborn genetic diseases. Last evaluated: 2024-06-26. Review status: criteria provided, single submitter. Criteria: Ambry Variant Classification Scheme 2023. Collection method: clinical testing. Allele origin: germline.

Labcorp Genetics (formerly Invitae), Labcorp
Classification: Uncertain significance for LAMA2-related muscular dystrophy. Last evaluated: 2021-09-01. Review status: criteria provided, single submitter. Criteria: Invitae Variant Classification Sherloc (09022015). Collection method: clinical testing. Allele origin: germline.
Comment: This sequence change replaces arginine with glycine at codon 1762 of the LAMA2 protein (p.Arg1762Gly). The arginine residue is weakly conserved and there is a moderate physicochemical difference between arginine and glycine. This variant is present in population databases (rs746492572, ExAC 0.002%). This variant has not been reported in the literature in individuals affected with LAMA2-related conditions. ClinVar contains an entry for this variant (Variation ID: 447688). Algorithms developed to predict the effect of missense changes on protein structure and function (SIFT, PolyPhen-2, Align-GVGD) all suggest that this variant is likely to be tolerated. In summary, the available evidence is currently insufficient to determine the role of this variant in disease. Therefore, it has been classified as a Variant of Uncertain Significance.

Athena Diagnostics
Classification: Uncertain significance. Last evaluated: 2017-02-24. Review status: criteria provided, single submitter. Criteria: Athena Diagnostics Criteria. Collection method: clinical testing. Allele origin: germline.